The following is an entry in ClinVar:

ClinVar aggregate classification (germline): Uncertain significance (1 of 4 stars; one submission).

Conditions:
Neonatal-onset encephalopathy with rigidity and seizures. Also called: Lethal neonatal spasticity-epileptic encephalopathy syndrome. Identifiers: Orphanet 435845, MedGen C3281029, MONDO:0013784, OMIM 614498.

Submission:

Labcorp Genetics (formerly Invitae), Labcorp
Classification: Uncertain significance for Neonatal-onset encephalopathy with rigidity and seizures. Last evaluated: 2023-05-16. Review status: criteria provided, single submitter. Criteria: Invitae Variant Classification Sherloc (09022015). Collection method: clinical testing. Allele origin: germline.
Comment: Algorithms developed to predict the effect of sequence changes on RNA splicing suggest that this variant may disrupt the consensus splice site. This variant is not present in population databases (gnomAD no frequency). This variant has not been reported in the literature in individuals affected with BRAT1-related conditions. In summary, the available evidence is currently insufficient to determine the role of this variant in disease. Therefore, it has been classified as a Variant of Uncertain Significance. This variant, c.1798_1800del, results in the deletion of 1 amino acid(s) of the BRAT1 protein (p.Leu600del), but otherwise preserves the integrity of the reading frame.

NM_152743.4(BRAT1):c.1798_1800del (p.Leu600del)

Gene: BRAT1 (BRCA1 associated ATM activator 1; minus strand). Cytogenetic location: 7p22.3.
Variant type: Deletion.
Coding change: c.1798_1800del on transcript NM_152743.4 (MANE Select); coding-DNA positions 1798 to 1800, 3 bases deleted (CTC; older notation c.1798_1800delCTC).
Protein change: p.Leu600del; deletes leucine 600.
Molecular consequence: inframe deletion. On other transcripts: non-coding transcript variant (1).
Genome position (GRCh38, 1-based): chr7:2,538,735-2,538,737, GAG deleted on the plus strand (CTC on the coding strand, the reverse complement: BRAT1 is on the minus strand); deleting any 3 consecutive bases within chr7:2,538,735-2,538,739 gives the same sequence; the c. name uses the placement nearest the transcript's 3' end. VCF-style (leftmost placement, unchanged base first): chr7-2538734-AGAG-A. GRCh37 (hg19) VCF-style: chr7-2578368-AGAG-A.
Other names: c.1978_1980del, p.Leu660del (NM_001350626.2); c.1273_1275del, p.Leu425del (NM_001350627.2); short protein forms L425del, L600del, L660del.
Identifiers: ClinVar variation 2864949 (VCV002864949.3), dbSNP rs2534293205, ClinGen allele CA2739266229.